The following is an entry in ClinVar:

NM_032444.4(SLX4):c.864G>A (p.Leu288=)

Gene: SLX4 (SLX4 structure-specific endonuclease subunit; minus strand). Cytogenetic location: 16p13.3.
Variant type: single nucleotide variant.
Coding change: c.864G>A on transcript NM_032444.4 (MANE Select); coding-DNA position 864, G replaced by A.
Protein change: p.Leu288=; no amino-acid change (leucine 288 retained).
Molecular consequence: synonymous variant.
Genome position (GRCh38, 1-based): chr16:3,602,204, C>T on the plus strand (G>A on the coding strand, the complement: SLX4 is on the minus strand). VCF-style: chr16-3602204-C-T. GRCh37 (hg19) VCF-style: chr16-3652205-C-T.
Identifiers: ClinVar variation 2414618 (VCV002414618.5), dbSNP rs2040734821, ClinGen allele CA493269568.

ClinVar aggregate classification (germline): Uncertain significance (1 of 4 stars; one submission).

Conditions:
Fanconi anemia (FA). Also called: Fanconi's anemia. Identifiers: Orphanet 84, MedGen C0015625, MeSH D005199, MONDO:0019391.

Allele frequency attached by ClinVar (database versions not stated): gnomAD exomes below 0.00001; TOPMed below 0.00001.
gnomAD v4.1: 1 of 1,614,180 alleles (0.000062%); highest among the groups gnomAD compares: Non-Finnish European, 0.000085%; no homozygotes.

Submission:

Labcorp Genetics (formerly Invitae), Labcorp
Classification: Uncertain significance for Fanconi anemia. Last evaluated: 2022-06-14. Review status: criteria provided, single submitter. Criteria: Invitae Variant Classification Sherloc (09022015). Collection method: clinical testing. Allele origin: germline.
Comment: This sequence change affects codon 288 of the SLX4 mRNA. It is a 'silent' change, meaning that it does not change the encoded amino acid sequence of the SLX4 protein. In summary, the available evidence is currently insufficient to determine the role of this variant in disease. Therefore, it has been classified as a Variant of Uncertain Significance. Algorithms developed to predict the effect of sequence changes on RNA splicing suggest that this variant may disrupt the consensus splice site. This variant has not been reported in the literature in individuals affected with SLX4-related conditions. This variant is not present in population databases (gnomAD no frequency).